The following is an entry in ClinVar:

NM_173728.4(ARHGEF15):c.1216G>A (p.Gly406Ser)

Gene: ARHGEF15 (Rho guanine nucleotide exchange factor 15; plus strand). Cytogenetic location: 17p13.1.
Variant type: single nucleotide variant.
Coding change: c.1216G>A on transcript NM_173728.4 (MANE Select); coding-DNA position 1216, G replaced by A.
Protein change: p.Gly406Ser; replaces glycine 406 with serine.
Molecular consequence: missense variant.
Genome position (GRCh38, 1-based): chr17:8,315,233, G>A. VCF-style: chr17-8315233-G-A. GRCh37 (hg19) VCF-style: chr17-8218551-G-A.
Other names: c.1216G>A, p.Gly406Ser (NM_025014.2); short protein forms G406S.
Identifiers: ClinVar variation 2696522 (VCV002696522.3), dbSNP rs1904932733, ClinGen allele CA398019899.

ClinVar aggregate classification (germline): Uncertain significance (1 of 4 stars; one submission).

Conditions:
Early-infantile DEE. Also called: Ohtahara syndrome; Early infantile epileptic encephalopathy with suppression bursts; Early infantile epileptic encephalopathy. Identifiers: Orphanet 1934, MedGen C0393706, MONDO:0800491.

Allele frequency attached by ClinVar (database versions not stated): TOPMed below 0.00001.
gnomAD v4.1: 1 of 1,613,562 alleles (0.000062%); highest among the groups gnomAD compares: Non-Finnish European, 0.000085%; no homozygotes.

Submission:

Labcorp Genetics (formerly Invitae), Labcorp
Classification: Uncertain significance for Early-infantile DEE. Last evaluated: 2024-01-12. Review status: criteria provided, single submitter. Criteria: Invitae Variant Classification Sherloc (09022015). Collection method: clinical testing. Allele origin: germline.
Comment: This sequence change replaces glycine, which is neutral and non-polar, with serine, which is neutral and polar, at codon 406 of the ARHGEF15 protein (p.Gly406Ser). This variant is not present in population databases (gnomAD no frequency). This variant has not been reported in the literature in individuals affected with ARHGEF15-related conditions. An algorithm developed to predict the effect of missense changes on protein structure and function (PolyPhen-2) suggests that this variant is likely to be disruptive. In summary, the available evidence is currently insufficient to determine the role of this variant in disease. Therefore, it has been classified as a Variant of Uncertain Significance.